The following is an entry in ClinVar:

NM_007055.4(POLR3A):c.2977G>C (p.Gly993Arg)

Gene: POLR3A (RNA polymerase III subunit A; minus strand). Cytogenetic location: 10q22.3.
Variant type: single nucleotide variant.
Coding change: c.2977G>C on transcript NM_007055.4 (MANE Select); coding-DNA position 2977, G replaced by C.
Protein change: p.Gly993Arg; replaces glycine 993 with arginine.
Molecular consequence: missense variant.
Genome position (GRCh38, 1-based): chr10:77,986,084, C>G on the plus strand (G>C on the coding strand, the complement: POLR3A is on the minus strand). VCF-style: chr10-77986084-C-G. GRCh37 (hg19) VCF-style: chr10-79745842-C-G.
Other names: short protein forms G993R.
Identifiers: ClinVar variation 1486560 (VCV001486560.4), dbSNP rs1030000483, ClinGen allele CA377332074.

ClinVar aggregate classification (germline): Uncertain significance (1 of 4 stars; one submission).

Submission:

Labcorp Genetics (formerly Invitae), Labcorp
Classification: Uncertain significance. Last evaluated: 2023-04-24. Review status: criteria provided, single submitter. Criteria: Invitae Variant Classification Sherloc (09022015). Collection method: clinical testing. Allele origin: germline.
Comment: In summary, the available evidence is currently insufficient to determine the role of this variant in disease. Therefore, it has been classified as a Variant of Uncertain Significance. Advanced modeling of protein sequence and biophysical properties (such as structural, functional, and spatial information, amino acid conservation, physicochemical variation, residue mobility, and thermodynamic stability) performed at Invitae indicates that this missense variant is not expected to disrupt POLR3A protein function. ClinVar contains an entry for this variant (Variation ID: 1486560). This variant has not been reported in the literature in individuals affected with POLR3A-related conditions. This variant is not present in population databases (gnomAD no frequency). This sequence change replaces glycine, which is neutral and non-polar, with arginine, which is basic and polar, at codon 993 of the POLR3A protein (p.Gly993Arg).